The following is an entry in ClinVar:

NM_145290.4(ADGRA3):c.1193G>A (p.Arg398His)

Gene: ADGRA3 (adhesion G protein-coupled receptor A3; minus strand). Cytogenetic location: 4p15.2.
Variant type: single nucleotide variant.
Coding change: c.1193G>A on transcript NM_145290.4 (MANE Select); coding-DNA position 1193, G replaced by A.
Protein change: p.Arg398His; replaces arginine 398 with histidine.
Molecular consequence: missense variant.
Genome position (GRCh38, 1-based): chr4:22,436,534, C>T on the plus strand (G>A on the coding strand, the complement: ADGRA3 is on the minus strand). VCF-style: chr4-22436534-C-T. GRCh37 (hg19) VCF-style: chr4-22438157-C-T.
Other names: short protein forms R398H.
Identifiers: ClinVar variation 1897570 (VCV001897570.5), dbSNP rs1271007842, ClinGen allele CA356482232.

ClinVar aggregate classification (germline): Uncertain significance (1 of 4 stars; one submission).

Allele frequency attached by ClinVar (database versions not stated): gnomAD exomes below 0.00001; TOPMed below 0.00001; gnomAD 0.00001.
gnomAD v4.1: 4 of 1,613,662 alleles (0.00025%); highest among the groups gnomAD compares: Middle Eastern, 0.017%; no homozygotes.

Submission:

Labcorp Genetics (formerly Invitae), Labcorp
Classification: Uncertain significance. Last evaluated: 2022-08-23. Review status: criteria provided, single submitter. Criteria: Invitae Variant Classification Sherloc (09022015). Collection method: clinical testing. Allele origin: germline.
Comment: This sequence change replaces arginine, which is basic and polar, with histidine, which is basic and polar, at codon 398 of the ADGRA3 protein (p.Arg398His). This variant is not present in population databases (gnomAD no frequency). This variant has not been reported in the literature in individuals affected with ADGRA3-related conditions. Algorithms developed to predict the effect of missense changes on protein structure and function are either unavailable or do not agree on the potential impact of this missense change (SIFT: "Tolerated"; PolyPhen-2: "Probably Damaging"; Align-GVGD: "Class C0"). In summary, the available evidence is currently insufficient to determine the role of this variant in disease. Therefore, it has been classified as a Variant of Uncertain Significance.